The following is an entry in ClinVar:

NM_001267550.2(TTN):c.91319C>T (p.Thr30440Ile)

Genes: TTN (titin; minus strand), TTN-AS1 (TTN antisense RNA 1; plus strand). Cytogenetic location: 2q31.2.
Variant type: single nucleotide variant.
Coding change: c.91319C>T on transcript NM_001267550.2 (MANE Select); coding-DNA position 91319, C replaced by T.
Protein change: p.Thr30440Ile; replaces threonine 30440 with isoleucine.
Molecular consequence: missense variant.
Genome position (GRCh38, 1-based): chr2:178,551,212, G>A on the plus strand (C>T on the coding strand, the complement: TTN is on the minus strand). VCF-style: chr2-178551212-G-A. GRCh37 (hg19) VCF-style: chr2-179415939-G-A.
Other names: c.86396C>T, p.Thr28799Ile (NM_001256850.1); c.64124C>T, p.Thr21375Ile (NM_003319.4); c.83615C>T, p.Thr27872Ile (NM_133378.4); c.64499C>T, p.Thr21500Ile (NM_133432.3); c.64700C>T, p.Thr21567Ile (NM_133437.4); short protein forms T21375I, T28799I, T21567I, T27872I, T21500I, T30440I.
Identifiers: ClinVar variation 1753396 (VCV001753396.2), dbSNP rs1446052860, ClinGen allele CA349502213.

ClinVar aggregate classification (germline): Uncertain significance (1 of 4 stars; one submission).

Conditions:
Cardiovascular phenotype. Identifiers: MedGen CN230736.

Allele frequency attached by ClinVar (database versions not stated): gnomAD exomes below 0.00001; TOPMed 0.00001.
gnomAD v4.1: 2 of 1,613,492 alleles (0.00012%); highest among the groups gnomAD compares: East Asian, 0.0045%; no homozygotes.

Submission:

Ambry Genetics
Classification: Uncertain significance for Cardiovascular phenotype. Last evaluated: 2019-03-15. Review status: criteria provided, single submitter. Criteria: Ambry Variant Classification Scheme 2023. Collection method: clinical testing. Allele origin: germline.
Comment: The p.T21375I variant (also known as c.64124C>T), located in coding exon 163 of the TTN gene, results from a C to T substitution at nucleotide position 64124. The threonine at codon 21375 is replaced by isoleucine, an amino acid with similar properties. This amino acid position is highly conserved in available vertebrate species. In addition, this alteration is predicted to be tolerated by in silico analysis. Since supporting evidence is limited at this time, the clinical significance of this alteration remains unclear.